The following is an entry in ClinVar:

NM_001261826.3(AP3D1):c.895G>A (p.Ala299Thr)

Gene: AP3D1 (adaptor related protein complex 3 subunit delta 1; minus strand). Cytogenetic location: 19p13.3.
Variant type: single nucleotide variant.
Coding change: c.895G>A on transcript NM_001261826.3 (MANE Select); coding-DNA position 895, G replaced by A.
Protein change: p.Ala299Thr; replaces alanine 299 with threonine.
Molecular consequence: missense variant.
Genome position (GRCh38, 1-based): chr19:2,123,841, C>T on the plus strand (G>A on the coding strand, the complement: AP3D1 is on the minus strand). VCF-style: chr19-2123841-C-T. GRCh37 (hg19) VCF-style: chr19-2123840-C-T.
Other names: c.895G>A (NM_003938.5); c.895G>A, p.Ala299Thr (NM_001374799.1, NM_003938.8); short protein forms A299T.
Identifiers: ClinVar variation 1363889 (VCV001363889.7), dbSNP rs747599851, ClinGen allele CA9059513.

ClinVar aggregate classification (germline): Uncertain significance. Review status: criteria provided, multiple submitters, no conflicts (2 of 4 stars). 2 submissions from 2 submitters: Uncertain significance (2). Last evaluated 2022-10-26.

Conditions:
Inborn genetic diseases. Identifiers: MedGen C0950123, MeSH D030342.

Allele frequency attached by ClinVar (database versions not stated): ExAC 0.00004.
gnomAD v4.1: 39 of 1,575,888 alleles (0.0025%); highest among the groups gnomAD compares: Non-Finnish European, 0.0034%; no homozygotes.

Submissions (2):

Ambry Genetics
Classification: Uncertain significance for Inborn genetic diseases. Last evaluated: 2022-10-26. Review status: criteria provided, single submitter. Criteria: Ambry Variant Classification Scheme 2023. Collection method: clinical testing. Allele origin: germline.

Labcorp Genetics (formerly Invitae), Labcorp
Classification: Uncertain significance. Last evaluated: 2022-04-25. Review status: criteria provided, single submitter. Criteria: Invitae Variant Classification Sherloc (09022015). Collection method: clinical testing. Allele origin: germline.
Comment: Algorithms developed to predict the effect of missense changes on protein structure and function (SIFT, PolyPhen-2, Align-GVGD) all suggest that this variant is likely to be disruptive. In summary, the available evidence is currently insufficient to determine the role of this variant in disease. Therefore, it has been classified as a Variant of Uncertain Significance. This sequence change replaces alanine, which is neutral and non-polar, with threonine, which is neutral and polar, at codon 299 of the AP3D1 protein (p.Ala299Thr). The frequency data for this variant in the population databases is considered unreliable, as metrics indicate poor data quality at this position in the gnomAD database. This variant has not been reported in the literature in individuals affected with AP3D1-related conditions.